The following is an entry in ClinVar:

NM_080473.5(GATA5):c.682C>T (p.Arg228Trp)

Gene: GATA5 (GATA binding protein 5; minus strand). Cytogenetic location: 20q13.33.
Variant type: single nucleotide variant.
Coding change: c.682C>T on transcript NM_080473.5 (MANE Select); coding-DNA position 682, C replaced by T.
Protein change: p.Arg228Trp; replaces arginine 228 with tryptophan.
Molecular consequence: missense variant.
Genome position (GRCh38, 1-based): chr20:62,473,420, G>A on the plus strand (C>T on the coding strand, the complement: GATA5 is on the minus strand). VCF-style: chr20-62473420-G-A. GRCh37 (hg19) VCF-style: chr20-61048476-G-A.
Other names: c.682C>T (NM_080473.4); short protein forms R228W.
Identifiers: ClinVar variation 1486157 (VCV001486157.10), dbSNP rs6061554, ClinGen allele CA9946248.

ClinVar aggregate classification (germline): Uncertain significance. Review status: criteria provided, multiple submitters, no conflicts (2 of 4 stars). 2 submissions from 2 submitters: Uncertain significance (2). Last evaluated 2025-08-10.

Allele frequency attached by ClinVar (database versions not stated): ExAC 0.00002.
gnomAD v4.1: 30 of 1,608,030 alleles (0.0019%); highest among the groups gnomAD compares: South Asian, 0.0055%; no homozygotes.

Submissions (2):

Labcorp Genetics (formerly Invitae), Labcorp
Classification: Uncertain significance. Last evaluated: 2025-08-10. Review status: criteria provided, single submitter. Criteria: Invitae Variant Classification Sherloc (09022015). Collection method: clinical testing. Allele origin: germline.
Comment: This sequence change replaces arginine, which is basic and polar, with tryptophan, which is neutral and slightly polar, at codon 228 of the GATA5 protein (p.Arg228Trp). The frequency data for this variant in the population databases is considered unreliable, as metrics indicate poor data quality at this position in the gnomAD database. This variant has not been reported in the literature in individuals affected with GATA5-related conditions. ClinVar contains an entry for this variant (Variation ID: 1486157). Invitae Evidence Modeling of protein sequence and biophysical properties (such as structural, functional, and spatial information, amino acid conservation, physicochemical variation, residue mobility, and thermodynamic stability) indicates that this missense variant is expected to disrupt GATA5 protein function with a positive predictive value of 80%. In summary, the available evidence is currently insufficient to determine the role of this variant in disease. Therefore, it has been classified as a Variant of Uncertain Significance.

GeneDx
Classification: Uncertain significance. Last evaluated: 2025-02-12. Review status: criteria provided, single submitter. Criteria: GeneDx Variant Classification Process June 2021. Collection method: clinical testing. Allele origin: germline. Affected: yes.
Comment: Not observed at significant frequency in large population cohorts (gnomAD); In silico analysis supports that this missense variant has a deleterious effect on protein structure/function; Has not been previously published as pathogenic or benign to our knowledge